The following is an entry in ClinVar:

NM_003482.4(KMT2D):c.26A>G (p.Glu9Gly)

Gene: KMT2D (lysine methyltransferase 2D; minus strand). Cytogenetic location: 12q13.12.
Variant type: single nucleotide variant.
Coding change: c.26A>G on transcript NM_003482.4 (MANE Select); coding-DNA position 26, A replaced by G.
Protein change: p.Glu9Gly; replaces glutamic acid 9 with glycine.
Molecular consequence: missense variant.
Genome position (GRCh38, 1-based): chr12:49,055,299, T>C on the plus strand (A>G on the coding strand, the complement: KMT2D is on the minus strand). VCF-style: chr12-49055299-T-C. GRCh37 (hg19) VCF-style: chr12-49449082-T-C.
Other names: short protein forms E9G.
Identifiers: ClinVar variation 2699534 (VCV002699534.3), dbSNP rs2120718422, ClinGen allele CA384691348.

ClinVar aggregate classification (germline): Uncertain significance (1 of 4 stars; one submission).

Conditions:
Kabuki syndrome. Also called: Kabuki make-up syndrome; NIIKAWA-KUROKI SYNDROME. Identifiers: Orphanet 2322, MedGen C0796004, MONDO:0016512.

Submission:

Labcorp Genetics (formerly Invitae), Labcorp
Classification: Uncertain significance for Kabuki syndrome. Last evaluated: 2023-12-01. Review status: criteria provided, single submitter. Criteria: Invitae Variant Classification Sherloc (09022015). Collection method: clinical testing. Allele origin: germline.
Comment: This sequence change replaces glutamic acid, which is acidic and polar, with glycine, which is neutral and non-polar, at codon 9 of the KMT2D protein (p.Glu9Gly). This variant is not present in population databases (gnomAD no frequency). This variant has not been reported in the literature in individuals affected with KMT2D-related conditions. Advanced modeling of protein sequence and biophysical properties (such as structural, functional, and spatial information, amino acid conservation, physicochemical variation, residue mobility, and thermodynamic stability) performed at Invitae indicates that this missense variant is not expected to disrupt KMT2D protein function with a negative predictive value of 95%. In summary, the available evidence is currently insufficient to determine the role of this variant in disease. Therefore, it has been classified as a Variant of Uncertain Significance.